The following is an entry in ClinVar:

ClinVar aggregate classification (germline): Conflicting classifications of pathogenicity. Review status: criteria provided, conflicting classifications (1 of 4 stars). 5 submissions from 5 submitters: Uncertain significance (4); Likely benign (1). Last evaluated 2024-09-09.

Conditions:
Disorders of Intracellular Cobalamin Metabolism. Identifiers: MedGen CN043592.
Inborn genetic diseases. Identifiers: MedGen C0950123, MeSH D030342.
Methylcobalamin deficiency type cblE (HMAE). Also called: VITAMIN B12-RESPONSIVE HOMOCYSTINURIA, cblE TYPE; HOMOCYSTINURIA-MEGALOBLASTIC ANEMIA, cblE COMPLEMENTATION TYPE; HOMOCYSTINURIA-MEGALOBLASTIC ANEMIA, cblE TYPE. Identifiers: Orphanet 2169, Orphanet 622, MedGen C1856057, MONDO:0009354, OMIM 236270.

Allele frequency attached by ClinVar (database versions not stated): gnomAD 0.00041; TOPMed 0.00043; gnomAD exomes 0.00045; ESP Exome Variant Server 0.00046; ExAC 0.00069.
gnomAD v4.1: 715 of 1,614,008 alleles (0.044%); highest among the groups gnomAD compares: Non-Finnish European, 0.056%; no homozygotes.

Submissions (5):

Labcorp Genetics (formerly Invitae), Labcorp
Classification: Uncertain significance for Methylcobalamin deficiency type cblE. Last evaluated: 2024-09-09. Review status: criteria provided, single submitter. Criteria: Invitae Variant Classification Sherloc (09022015). Collection method: clinical testing. Allele origin: germline.
Comment: This sequence change replaces aspartic acid, which is acidic and polar, with glutamic acid, which is acidic and polar, at codon 394 of the MTRR protein (p.Asp394Glu). This variant is present in population databases (rs149678769, gnomAD 0.09%), and has an allele count higher than expected for a pathogenic variant. This variant has not been reported in the literature in individuals affected with MTRR-related conditions. ClinVar contains an entry for this variant (Variation ID: 354361). Invitae Evidence Modeling of protein sequence and biophysical properties (such as structural, functional, and spatial information, amino acid conservation, physicochemical variation, residue mobility, and thermodynamic stability) indicates that this missense variant is not expected to disrupt MTRR protein function with a negative predictive value of 80%. In summary, the available evidence is currently insufficient to determine the role of this variant in disease. Therefore, it has been classified as a Variant of Uncertain Significance.

Ambry Genetics
Classification: Likely benign for Inborn genetic diseases. Last evaluated: 2024-06-24. Review status: criteria provided, single submitter. Criteria: Ambry Variant Classification Scheme 2023. Collection method: clinical testing. Allele origin: germline.

Revvity Omics, Revvity
Classification: Uncertain significance for Methylcobalamin deficiency type cblE. Last evaluated: 2023-03-13. Review status: criteria provided, single submitter. Criteria: ACMG Guidelines, 2015. Collection method: clinical testing. Allele origin: germline.

CeGaT Center for Human Genetics Tuebingen
Classification: Uncertain significance. Last evaluated: 2020-04-01. Review status: criteria provided, single submitter. Criteria: CeGaT Center For Human Genetics Tuebingen Variant Classification Criteria Version 2. Collection method: clinical testing. Allele origin: germline. Affected: yes. Observed: 1 variant allele.

Illumina Laboratory Services, Illumina
Classification: Uncertain significance for Disorders of Intracellular Cobalamin Metabolism. Last evaluated: 2018-01-13. Review status: criteria provided, single submitter. Criteria: ICSL Variant Classification Criteria 13 December 2019. Collection method: clinical testing. Allele origin: germline.

NM_002454.3(MTRR):c.1182C>G (p.Asp394Glu)

Gene: MTRR (5-methyltetrahydrofolate-homocysteine methyltransferase reductase; plus strand). Cytogenetic location: 5p15.31.
Variant type: single nucleotide variant.
Coding change: c.1182C>G on transcript NM_002454.3 (MANE Select); coding-DNA position 1182, C replaced by G.
Protein change: p.Asp394Glu; replaces aspartic acid 394 with glutamic acid.
Molecular consequence: missense variant. On other transcripts: non-coding transcript variant (14).
Genome position (GRCh38, 1-based): chr5:7,889,130, C>G. VCF-style: chr5-7889130-C-G. GRCh37 (hg19) VCF-style: chr5-7889243-C-G.
Other names: c.1182C>G, p.Asp394Glu (NM_001364440.2, NM_001364441.2, NM_001364442.2 and 1 more transcripts); short protein forms D394E.
Identifiers: ClinVar variation 354361 (VCV000354361.50), dbSNP rs149678769, ClinGen allele CA3195858.